The following is an entry in ClinVar:

ClinVar aggregate classification (germline): Uncertain significance (1 of 4 stars; one submission).

Allele frequency attached by ClinVar (database versions not stated): TOPMed below 0.00001; gnomAD 0.00001; gnomAD exomes 0.00004; ExAC 0.00007.
gnomAD v4.1: 54 of 1,599,286 alleles (0.0034%); highest among the groups gnomAD compares: South Asian, 0.055%; 1 homozygote.

Submission:

Labcorp Genetics (formerly Invitae), Labcorp
Classification: Uncertain significance. Last evaluated: 2025-06-19. Review status: criteria provided, single submitter. Criteria: Invitae Variant Classification Sherloc (09022015). Collection method: clinical testing. Allele origin: germline.
Comment: This sequence change replaces leucine, which is neutral and non-polar, with proline, which is neutral and non-polar, at codon 201 of the CREB3L1 protein (p.Leu201Pro). This variant is present in population databases (rs745502768, gnomAD 0.07%). This variant has not been reported in the literature in individuals affected with CREB3L1-related conditions. ClinVar contains an entry for this variant (Variation ID: 2183187). An algorithm developed to predict the effect of missense changes on protein structure and function (PolyPhen-2) suggests that this variant is likely to be disruptive. In summary, the available evidence is currently insufficient to determine the role of this variant in disease. Therefore, it has been classified as a Variant of Uncertain Significance.

NM_052854.4(CREB3L1):c.602T>C (p.Leu201Pro)

Gene: CREB3L1 (cAMP responsive element binding protein 3 like 1; plus strand). Cytogenetic location: 11p11.2.
Variant type: single nucleotide variant.
Coding change: c.602T>C on transcript NM_052854.4 (MANE Select); coding-DNA position 602, T replaced by C.
Protein change: p.Leu201Pro; replaces leucine 201 with proline.
Molecular consequence: missense variant.
Genome position (GRCh38, 1-based): chr11:46,311,038, T>C. VCF-style: chr11-46311038-T-C. GRCh37 (hg19) VCF-style: chr11-46332589-T-C.
Other names: short protein forms L201P.
Identifiers: ClinVar variation 2183187 (VCV002183187.3), dbSNP rs745502768, ClinGen allele CA5961640.